The following is an entry in ClinVar:

ClinVar aggregate classification (germline): Uncertain significance (1 of 4 stars; one submission).

Submission:

GeneDx
Classification: Uncertain significance. Last evaluated: 2026-02-23. Review status: criteria provided, single submitter. Criteria: GeneDx Variant Classification Process June 2021. Collection method: clinical testing. Allele origin: germline.
Comment: Not observed at significant frequency in large population cohorts (gnomAD); In silico analysis supports that this missense variant has a deleterious effect on protein structure/function; Has not been previously published as pathogenic or benign to our knowledge

NM_004172.5(SLC1A3):c.892G>C (p.Ala298Pro)

Genes: SLC1A3 (solute carrier family 1 member 3; plus strand), SLC1A3-AS1 (SLC1A3 antisense RNA 1; minus strand). Cytogenetic location: 5p13.2.
Variant type: single nucleotide variant.
Coding change: c.892G>C on transcript NM_004172.5 (MANE Select); coding-DNA position 892, G replaced by C.
Protein change: p.Ala298Pro; replaces alanine 298 with proline.
Molecular consequence: missense variant.
Genome position (GRCh38, 1-based): chr5:36,679,658, G>C. VCF-style: chr5-36679658-G-C. GRCh37 (hg19) VCF-style: chr5-36679760-G-C.
Other names: c.892G>C, p.Ala298Pro (NM_001166695.3, NM_001438454.1, NM_001438455.1 and 3 more transcripts); c.754G>C, p.Ala252Pro (NM_001289939.2); c.556G>C, p.Ala186Pro (NM_001289940.2); c.1033G>C, p.Ala345Pro (NM_001438458.1); c.610G>C, p.Ala204Pro (NM_001438460.1); c.592G>C, p.Ala198Pro (NM_001438461.1); c.571G>C, p.Ala191Pro (NM_001438462.1); short protein forms A298P, A345P, A198P, A204P, A252P, A186P, A191P.
Identifiers: ClinVar variation 5010036 (VCV005010036.1).